The following is an entry in ClinVar:

ClinVar aggregate classification (germline): Conflicting classifications of pathogenicity. Review status: criteria provided, conflicting classifications (1 of 4 stars). 7 submissions from 7 submitters: Pathogenic (1); Likely pathogenic (3); Uncertain significance (3). Last evaluated 2026-08-09.

Conditions:
Congenital myotonia, autosomal recessive form. Also called: BECKER DISEASE; myotonia congenita, autosomal recessive; Becker Generalized Myotonia. Identifiers: Orphanet 614, MedGen C0751360, MONDO:0009715, OMIM 255700.
Congenital myotonia, autosomal dominant form (THD). Also called: THOMSEN DISEASE; Myotonia congenita autosomal dominant. Identifiers: Orphanet 614, MedGen C2936781, MONDO:0008055, OMIM 160800.
Skeletal muscle channelopathy.

Allele frequency attached by ClinVar (database versions not stated): gnomAD 0.00005 and 0.00006; ESP Exome Variant Server 0.00008; TOPMed 0.00006.
gnomAD v4.1: 346 of 1,613,920 alleles (0.021%); highest among the groups gnomAD compares: Non-Finnish European, 0.029%; no homozygotes.

Submissions (8):

GeneDx
Classification: Likely pathogenic. Last evaluated: 2026-08-09. Review status: criteria provided, single submitter. Criteria: GeneDx Variant Classification Process June 2021. Collection method: clinical testing. Allele origin: germline.
Comment: Not observed at significant frequency in large population cohorts (gnomAD); In silico analysis supports that this missense variant has a deleterious effect on protein structure/function; This variant is associated with the following publications: (PMID: 26510092, 19917643, 17932099, 34529042)

Genetics Laboratory, Great Ormond Street Hospital NHS Foundation Trust, North Thames Genomic Laboratory Hub
Classification: Likely pathogenic for Skeletal muscle channelopathy. Last evaluated: 2026-03-27. Review status: criteria provided, single submitter. Criteria: ACGS Best Practice Guidelines for Variant Classification in Rare Disease 2024 v1.2. Collection method: clinical testing. Allele origin: germline. Affected: yes.
Comment: PM2_moderate, PP3_supporting, BS3_moderate, PM3_strong, PP4_supporting

Labcorp Genetics (formerly Invitae), Labcorp
Classification: Uncertain significance for Congenital myotonia, autosomal recessive form; Congenital myotonia, autosomal dominant form. Last evaluated: 2026-01-13. Review status: criteria provided, single submitter. Criteria: Invitae Variant Classification Sherloc (09022015). Collection method: clinical testing. Allele origin: germline.
Comment: This sequence change replaces proline, which is neutral and non-polar, with alanine, which is neutral and non-polar, at codon 408 of the CLCN1 protein (p.Pro408Ala). This variant is present in population databases (rs202019723, gnomAD 0.007%). This missense change has been observed in individual(s) with clinical features of autosomal recessive or autosomal dominant myotonia congenita (PMID: 17932099, 34529042; internal data). In at least one individual the data is consistent with being in trans (on the opposite chromosome) from a pathogenic variant. ClinVar contains an entry for this variant (Variation ID: 500041). Invitae Evidence Modeling of protein sequence and biophysical properties (such as structural, functional, and spatial information, amino acid conservation, physicochemical variation, residue mobility, and thermodynamic stability) has been performed for this missense variant. However, the output from this modeling did not meet the statistical confidence thresholds required to predict the impact of this variant on CLCN1 protein function. Experimental studies have shown that this missense change does not substantially affect CLCN1 function (PMID: 34529042). In summary, the available evidence is currently insufficient to determine the role of this variant in disease. Therefore, it has been classified as a Variant of Uncertain Significance.

Athena Diagnostics
Classification: Pathogenic. Last evaluated: 2025-10-27. Review status: criteria provided, single submitter. Criteria: Athena Diagnostics Criteria. Collection method: clinical testing. Allele origin: unknown.
Comment: The frequency of this variant in the general population is consistent with pathogenicity. Computational tools yielded predictions that this variant may result in the gain of a cryptic splice site without affecting the natural splice sites. In multiple individuals, this variant has been seen with a single recessive pathogenic variant in the same gene, suggesting this variant may also be pathogenic. Polyphen and MutationTaster predict this amino acid change may be damaging to the protein.

Fulgent Genetics
Classification: Likely pathogenic for Congenital myotonia, autosomal dominant form; Congenital myotonia, autosomal recessive form. Last evaluated: 2024-04-24. Review status: criteria provided, single submitter. Criteria: ACMG Guidelines, 2015. Collection method: clinical testing. Allele origin: germline.

Revvity Omics, Revvity
Classification: Uncertain significance. Last evaluated: 2019-10-30. Review status: criteria provided, single submitter. Criteria: ACMG Guidelines, 2015. Collection method: clinical testing. Allele origin: germline.

Eurofins Ntd Llc (ga)
Classification: Uncertain significance. Last evaluated: 2017-01-20. Review status: criteria provided, single submitter. Criteria: EGL Classification Definitions 2015. Collection method: clinical testing. Allele origin: germline. Observed: 1 variant allele, 1 heterozygote.

Dr. Peter K. Rogan Lab, Western University
No classification provided (evidence only). Condition: Ovarian serous cystadenocarcinoma. Review status: no classification provided. Collection method: in vitro. Allele origin: not applicable. Functional consequence: retained intron. Not counted in ClinVar's aggregate classification.

Literature cited by the submitters: PubMed 17932099 (cited by Labcorp Genetics (formerly Invitae), Labcorp and Athena Diagnostics); PubMed 34529042 (cited by Labcorp Genetics (formerly Invitae), Labcorp and Athena Diagnostics).

NM_000083.3(CLCN1):c.1222C>G (p.Pro408Ala)

Gene: CLCN1 (chloride voltage-gated channel 1; plus strand). Cytogenetic location: 7q34.
Variant type: single nucleotide variant.
Coding change: c.1222C>G on transcript NM_000083.3 (MANE Select); coding-DNA position 1222, C replaced by G.
Protein change: p.Pro408Ala; replaces proline 408 with alanine.
Molecular consequence: missense variant. On other transcripts: non-coding transcript variant (1).
Genome position (GRCh38, 1-based): chr7:143,332,474, C>G. VCF-style: chr7-143332474-C-G. GRCh37 (hg19) VCF-style: chr7-143029567-C-G.
Other names: c.1222C>G (NM_000083.2); short protein forms P408A.
Identifiers: ClinVar variation 500041 (VCV000500041.22), dbSNP rs202019723, ClinGen allele CA4537280.
Genomic context (GRCh38, chr7:143,332,474, plus strand): 5'-TTCAGCCGCCTGCTGTATCCTGGAATTGTTACCTTTGTCATTGCCTCATTCACCTTCCCA[C>G]CAGGAATGGGTCAATTCATGGCTGGAGAGGTCAGCTGTTGGTGGGGCCACATGGTAAAGA-3'
Protein context (NP_000074.3, residues 398-418): TFVIASFTFP[Pro408Ala]GMGQFMAGEL